The following is an entry in ClinVar:

ClinVar aggregate classification (germline): Pathogenic (1 of 4 stars; one submission).

Conditions:
Mitochondrial complex V (ATP synthase) deficiency, nuclear type 2. Also called: Nuclear-Encoded ATPase Deficiency, TMEM70-Related; ENCEPHALOCARDIOMYOPATHY, MITOCHONDRIAL, NEONATAL, DUE TO ATP SYNTHASE DEFICIENCY; MITOCHONDRIAL COMPLEX V (ATP SYNTHASE) DEFICIENCY, TMEM70 TYPE. Identifiers: Orphanet 1194, MedGen C3279699, MONDO:0013546, OMIM 614052.

Submission:

Labcorp Genetics (formerly Invitae), Labcorp
Classification: Pathogenic for Mitochondrial complex V (ATP synthase) deficiency, nuclear type 2. Last evaluated: 2025-12-14. Review status: criteria provided, single submitter. Criteria: Invitae Variant Classification Sherloc (09022015). Collection method: clinical testing. Allele origin: germline.
Comment: This sequence change creates a premature translational stop signal (p.Met148Trpfs*6) in the TMEM70 gene. While this is not anticipated to result in nonsense mediated decay, it is expected to disrupt the last 113 amino acid(s) of the TMEM70 protein. This variant is not present in population databases (gnomAD no frequency). This variant has not been reported in the literature in individuals affected with TMEM70-related conditions. This variant disrupts a region of the TMEM70 protein in which other variant(s) (p.Thr193Serfs*6) have been determined to be pathogenic (PMID: 21147908). This suggests that this is a clinically significant region of the protein, and that variants that disrupt it are likely to be disease-causing. For these reasons, this variant has been classified as Pathogenic.

Literature cited by the submitters: PubMed 21147908.

NM_017866.6(TMEM70):c.441del (p.Met148fs)

Gene: TMEM70 (transmembrane protein 70; plus strand). Cytogenetic location: 8q21.11.
Variant type: Deletion.
Coding change: c.441del on transcript NM_017866.6 (MANE Select); coding-DNA position 441, one base deleted (C; older notation c.441delC).
Protein change: p.Met148fs; shifts the reading frame from methionine 148.
Molecular consequence: frameshift variant. On other transcripts: 3 prime UTR variant (1), non-coding transcript variant (1).
Genome position (GRCh38, 1-based): chr8:73,981,279, C deleted. VCF-style (leftmost placement, unchanged base first): chr8-73981278-TC-T. GRCh37 (hg19) VCF-style: chr8-74893513-TC-T.
Other names: c.*131del (NM_001040613.3); short protein forms M148fs.
Identifiers: ClinVar variation 4725979 (VCV004725979.1).